The following is an entry in ClinVar:

NM_014908.4(DOLK):c.991C>A (p.Gln331Lys)

Gene: DOLK (dolichol kinase; minus strand). Cytogenetic location: 9q34.11.
Variant type: single nucleotide variant.
Coding change: c.991C>A on transcript NM_014908.4 (MANE Select); coding-DNA position 991, C replaced by A.
Protein change: p.Gln331Lys; replaces glutamine 331 with lysine.
Molecular consequence: missense variant.
Genome position (GRCh38, 1-based): chr9:128,946,313, G>T on the plus strand (C>A on the coding strand, the complement: DOLK is on the minus strand). VCF-style: chr9-128946313-G-T. GRCh37 (hg19) VCF-style: chr9-131708592-G-T.
Other names: short protein forms Q331K.
Identifiers: ClinVar variation 3842087 (VCV003842087.1).

ClinVar aggregate classification (germline): Uncertain significance (1 of 4 stars; one submission).

Conditions:
Cardiovascular phenotype. Identifiers: MedGen CN230736.

Submission:

Ambry Genetics
Classification: Uncertain significance for Cardiovascular phenotype. Last evaluated: 2024-12-21. Review status: criteria provided, single submitter. Criteria: Ambry Variant Classification Scheme 2023. Collection method: clinical testing. Allele origin: germline.
Comment: The p.Q331K variant (also known as c.991C>A), located in coding exon 1 of the DOLK gene, results from a C to A substitution at nucleotide position 991. The glutamine at codon 331 is replaced by lysine, an amino acid with similar properties. This amino acid position is conserved. In addition, this alteration is predicted to be tolerated by in silico analysis. Based on the available evidence, the clinical significance of this variant remains unclear.